The following is an entry in ClinVar:

NM_001040167.2(LFNG):c.299A>T (p.Asp100Val)

Gene: LFNG (LFNG O-fucosylpeptide 3-beta-N-acetylglucosaminyltransferase; plus strand). Cytogenetic location: 7p22.3.
Variant type: single nucleotide variant.
Coding change: c.299A>T on transcript NM_001040167.2 (MANE Select); coding-DNA position 299, A replaced by T.
Protein change: p.Asp100Val; replaces aspartic acid 100 with valine.
Molecular consequence: missense variant. On other transcripts: intron variant (2).
Genome position (GRCh38, 1-based): chr7:2,520,160, A>T. VCF-style: chr7-2520160-A-T. GRCh37 (hg19) VCF-style: chr7-2559794-A-T.
Other names: c.299A>T, p.Asp100Val (NM_001040168.2); c.220-4535A>T (NM_001166355.2); c.45+1562A>T (NM_002304.3); short protein forms D100V.
Identifiers: ClinVar variation 2099808 (VCV002099808.4), dbSNP rs1583271991, ClinGen allele CA366613646.

ClinVar aggregate classification (germline): Uncertain significance (1 of 4 stars; one submission).

Conditions:
Spondylocostal dysostosis 3, autosomal recessive (SCDO3). Also called: LFNG-Related Spondylocostal Dysostosis, Autosomal Recessive. Identifiers: Orphanet 2311, MedGen C1853296, MONDO:0012349, OMIM 609813.

Submission:

Labcorp Genetics (formerly Invitae), Labcorp
Classification: Uncertain significance for Spondylocostal dysostosis 3, autosomal recessive. Last evaluated: 2024-10-29. Review status: criteria provided, single submitter. Criteria: Invitae Variant Classification Sherloc (09022015). Collection method: clinical testing. Allele origin: germline.
Comment: This sequence change replaces aspartic acid, which is acidic and polar, with valine, which is neutral and non-polar, at codon 100 of the LFNG protein (p.Asp100Val). This variant is not present in population databases (gnomAD no frequency). This variant has not been reported in the literature in individuals affected with LFNG-related conditions. ClinVar contains an entry for this variant (Variation ID: 2099808). Invitae Evidence Modeling of protein sequence and biophysical properties (such as structural, functional, and spatial information, amino acid conservation, physicochemical variation, residue mobility, and thermodynamic stability) indicates that this missense variant is not expected to disrupt LFNG protein function with a negative predictive value of 80%. In summary, the available evidence is currently insufficient to determine the role of this variant in disease. Therefore, it has been classified as a Variant of Uncertain Significance.